The following is an entry in ClinVar:

NM_000051.4(ATM):c.2743A>T (p.Thr915Ser)

Gene: ATM (ATM serine/threonine kinase; plus strand). Cytogenetic location: 11q22.3.
Variant type: single nucleotide variant.
Coding change: c.2743A>T on transcript NM_000051.4 (MANE Select); coding-DNA position 2743, A replaced by T.
Protein change: p.Thr915Ser; replaces threonine 915 with serine.
Molecular consequence: missense variant.
Genome position (GRCh38, 1-based): chr11:108,268,514, A>T. VCF-style: chr11-108268514-A-T. GRCh37 (hg19) VCF-style: chr11-108139241-A-T.
Other names: c.2743A>T, p.Thr915Ser (NM_001351834.2); short protein forms T915S.
Identifiers: ClinVar variation 3774419 (VCV003774419.1).
Genomic context (GRCh38, chr11:108,268,514, plus strand): 5'-CTACTTTTCTTAGACATGCTCAAGTTCTTGTGTTTGTGTGTAACTACTGCTCAGACCAAT[A>T]CTGTGTCCTTTAGGGCAGCTGATATTCGGAGGAAATTGTTAATGTTAATTGATTCTAGCA-3'
Protein context (NP_000042.3, residues 905-925): CLCVTTAQTN[Thr915Ser]VSFRAADIRR

ClinVar aggregate classification (germline): Uncertain significance (1 of 4 stars; one submission).

Conditions:
Hereditary cancer-predisposing syndrome. Also called: Tumor predisposition; Hereditary Cancer Syndrome; Neoplastic Syndromes, Hereditary; Hereditary neoplastic syndrome. Identifiers: Orphanet 140162, MedGen C0027672, MeSH D009386, MONDO:0015356.

Submission:

Molecular Diagnostics Laboratory, Catalan Institute of Oncology
Classification: Uncertain significance for Hereditary cancer-predisposing syndrome. Last evaluated: 2024-10-09. Review status: criteria provided, single submitter. Criteria: ClinGen ACMG Specifications ATM V1.1.0. Collection method: clinical testing. Allele origin: germline.
Comment: PM2_Supporting c.2743A>T located in exon 18 of the ATM gene, is predicted to result in the substitution of threonine by serine at codon 915, p.(Thr915Ser).It is not present in the population database gnomAD v2.1.1, non cancer dataset (PM2_Supporting). The SpliceAI algorithm results in a non-informative deltascore (0.45) for the effect of this variant on splicing. The REVEL meta-predictor score for this variant (0.091) suggests that it does not affect the protein function. Also, the variant has not been reported neither in ClinVar, BRCA Exchange nor in LOVD databases. Based on currently available information, the variant c.2743A>T is classified as an uncertain significance variant according to ClinGen-ATM Guidelines version v1.1.